The following is an entry in ClinVar:

ClinVar aggregate classification (germline): Uncertain significance. Review status: criteria provided, multiple submitters, no conflicts (2 of 4 stars). 2 submissions from 2 submitters: Uncertain significance (2). Last evaluated 2025-05-23.

Conditions:
Baller-Gerold syndrome (BGS). Also called: CRANIOSYNOSTOSIS WITH RADIAL DEFECTS. Identifiers: Orphanet 1225, MedGen C0265308, MONDO:0009039, OMIM 218600.
Inborn genetic diseases. Identifiers: MedGen C0950123, MeSH D030342.

Allele frequency attached by ClinVar (database versions not stated): gnomAD exomes below 0.00001.
gnomAD v4.1: 1 of 1,612,542 alleles (0.000062%); highest among the groups gnomAD compares: South Asian, 0.0011%; no homozygotes.

Submissions (2):

Ambry Genetics
Classification: Uncertain significance for Inborn genetic diseases. Last evaluated: 2025-05-23. Review status: criteria provided, single submitter. Criteria: Ambry Variant Classification Scheme 2023. Collection method: clinical testing. Allele origin: germline.
Comment: The p.A1159T variant (also known as c.3475G>A), located in coding exon 20 of the RECQL4 gene, results from a G to A substitution at nucleotide position 3475. The alanine at codon 1159 is replaced by threonine, an amino acid with similar properties. This amino acid position is conserved. Based on the available evidence, the clinical significance of this variant remains unclear.

Labcorp Genetics (formerly Invitae), Labcorp
Classification: Uncertain significance for Baller-Gerold syndrome. Last evaluated: 2021-10-07. Review status: criteria provided, single submitter. Criteria: Invitae Variant Classification Sherloc (09022015). Collection method: clinical testing. Allele origin: germline.
Comment: This sequence change replaces alanine with threonine at codon 1159 of the RECQL4 protein (p.Ala1159Thr). The alanine residue is highly conserved and there is a small physicochemical difference between alanine and threonine. This variant is not present in population databases (ExAC no frequency). In summary, the available evidence is currently insufficient to determine the role of this variant in disease. Therefore, it has been classified as a Variant of Uncertain Significance. Experimental studies and prediction algorithms are not available or were not evaluated, and the functional significance of this variant is currently unknown. This variant has not been reported in the literature in individuals affected with RECQL4-related conditions.

NM_004260.4(RECQL4):c.3475G>A (p.Ala1159Thr)

Gene: RECQL4 (RecQ like helicase 4; minus strand). Cytogenetic location: 8q24.3.
Variant type: single nucleotide variant.
Coding change: c.3475G>A on transcript NM_004260.4 (MANE Select); coding-DNA position 3475, G replaced by A.
Protein change: p.Ala1159Thr; replaces alanine 1159 with threonine.
Molecular consequence: missense variant.
Genome position (GRCh38, 1-based): chr8:144,511,708, C>T on the plus strand (G>A on the coding strand, the complement: RECQL4 is on the minus strand). VCF-style: chr8-144511708-C-T. GRCh37 (hg19) VCF-style: chr8-145737091-C-T.
Other names: c.3475G>A (NM_004260.3); short protein forms A1159T.
Identifiers: ClinVar variation 1397398 (VCV001397398.7), dbSNP rs1043628799, ClinGen allele CA187678615.